The following is an entry in ClinVar:

NM_000222.3(KIT):c.1269T>G (p.Asn423Lys)

Gene: KIT (KIT proto-oncogene, receptor tyrosine kinase; plus strand). Cytogenetic location: 4q12.
Variant type: single nucleotide variant.
Coding change: c.1269T>G on transcript NM_000222.3 (MANE Select); coding-DNA position 1269, T replaced by G.
Protein change: p.Asn423Lys; replaces asparagine 423 with lysine.
Molecular consequence: missense variant.
Genome position (GRCh38, 1-based): chr4:54,723,621, T>G. VCF-style: chr4-54723621-T-G. GRCh37 (hg19) VCF-style: chr4-55589787-T-G.
Other names: c.1269T>G, p.Asn423Lys (NM_001093772.2, NM_001385285.1, NM_001385286.1); c.1272T>G, p.Asn424Lys (NM_001385284.1, NM_001385288.1, NM_001385290.1 and 1 more transcripts); short protein forms N423K, N424K.
Identifiers: ClinVar variation 4645039 (VCV004645039.1).

ClinVar aggregate classification (germline): Uncertain significance (1 of 4 stars; one submission).

Conditions:
Hereditary cancer-predisposing syndrome. Also called: Neoplastic Syndromes, Hereditary; Tumor predisposition; Hereditary Cancer Syndrome; Hereditary neoplastic syndrome. Identifiers: Orphanet 140162, MedGen C0027672, MeSH D009386, MONDO:0015356.

Submission:

Ambry Genetics
Classification: Uncertain significance for Hereditary cancer-predisposing syndrome. Last evaluated: 2025-10-05. Review status: criteria provided, single submitter. Criteria: Ambry Variant Classification Scheme 2023. Collection method: clinical testing. Allele origin: germline.
Comment: The p.N423K variant (also known as c.1269T>G), located in coding exon 8 of the KIT gene, results from a T to G substitution at nucleotide position 1269. The asparagine at codon 423 is replaced by lysine, an amino acid with similar properties. This amino acid position is conserved. In addition, this alteration is predicted to be tolerated by in silico analysis. Based on the available evidence, the clinical significance of this variant remains unclear.